The following is an entry in ClinVar:

ClinVar aggregate classification (germline): Uncertain significance (1 of 4 stars; one submission).

Conditions:
Charcot-Marie-Tooth disease type 4. Also called: Charcot-Marie-Tooth, Type 4; Charcot-Marie-Tooth disease, type IV. Identifiers: Orphanet 64749, MedGen C4082197, MONDO:0018995.

Allele frequency attached by ClinVar (database versions not stated): ExAC 0.00001.
gnomAD v4.1: 1 of 1,614,004 alleles (0.000062%); highest among the groups gnomAD compares: South Asian, 0.0011%; no homozygotes.

Submission:

Labcorp Genetics (formerly Invitae), Labcorp
Classification: Uncertain significance for Charcot-Marie-Tooth disease type 4. Last evaluated: 2023-08-30. Review status: criteria provided, single submitter. Criteria: Invitae Variant Classification Sherloc (09022015). Collection method: clinical testing. Allele origin: germline.
Comment: In summary, the available evidence is currently insufficient to determine the role of this variant in disease. Therefore, it has been classified as a Variant of Uncertain Significance. Advanced modeling of protein sequence and biophysical properties (such as structural, functional, and spatial information, amino acid conservation, physicochemical variation, residue mobility, and thermodynamic stability) performed at Invitae indicates that this missense variant is not expected to disrupt SH3TC2 protein function. ClinVar contains an entry for this variant (Variation ID: 2059898). This variant has not been reported in the literature in individuals affected with SH3TC2-related conditions. This variant is not present in population databases (gnomAD no frequency). This sequence change replaces threonine, which is neutral and polar, with lysine, which is basic and polar, at codon 263 of the SH3TC2 protein (p.Thr263Lys).

NM_024577.4(SH3TC2):c.788C>A (p.Thr263Lys)

Gene: SH3TC2 (SH3 domain and tetratricopeptide repeats 2; minus strand). Cytogenetic location: 5q32.
Variant type: single nucleotide variant.
Coding change: c.788C>A on transcript NM_024577.4 (MANE Select); coding-DNA position 788, C replaced by A.
Protein change: p.Thr263Lys; replaces threonine 263 with lysine.
Molecular consequence: missense variant.
Genome position (GRCh38, 1-based): chr5:149,040,621, G>T on the plus strand (C>A on the coding strand, the complement: SH3TC2 is on the minus strand). VCF-style: chr5-149040621-G-T. GRCh37 (hg19) VCF-style: chr5-148420184-G-T.
Other names: short protein forms T263K.
Identifiers: ClinVar variation 2059898 (VCV002059898.4), dbSNP rs752326784, ClinGen allele CA3499394.
Genomic context (GRCh38, chr5:149,040,621, plus strand): 5'-ACATTATCTCCCTAACAATACTATGTTTTTGACTCAGCCATACCAATCTGATAGGAGCCT[G>T]TCCAATCCCTCTTCCTGGAAAGGCCACAGCTTCCTGGATAATTCTTTAGGAACCACCTGC-3'
Protein context (NP_078853.2, residues 253-273): SCGLSRKRDW[Thr263Lys]GSYQIGRGRC